The following is an entry in ClinVar:

NM_170601.5(SIAE):c.857C>T (p.Thr286Met)

Gene: SIAE (sialic acid acetylesterase; minus strand). Cytogenetic location: 11q24.2.
Variant type: single nucleotide variant.
Coding change: c.857C>T on transcript NM_170601.5 (MANE Select); coding-DNA position 857, C replaced by T.
Protein change: p.Thr286Met; replaces threonine 286 with methionine.
Molecular consequence: missense variant.
Genome position (GRCh38, 1-based): chr11:124,647,474, G>A on the plus strand (C>T on the coding strand, the complement: SIAE is on the minus strand). VCF-style: chr11-124647474-G-A. GRCh37 (hg19) VCF-style: chr11-124517370-G-A.
Other names: c.752C>T, p.Thr251Met (NM_001199922.2); c.857C>T (NM_170601.4); short protein forms T251M, T286M.
Identifiers: ClinVar variation 1632102 (VCV001632102.10), dbSNP rs147977671, ClinGen allele CA6341384.

ClinVar aggregate classification (germline): Benign. Review status: criteria provided, multiple submitters, no conflicts (2 of 4 stars). 3 submissions from 3 submitters: Benign (2). 1 of the submissions does not count toward it. Last evaluated 2026-01-27.

Conditions:
SIAE-related disorder. Also called: SIAE-related condition.

Allele frequency attached by ClinVar (database versions not stated): 1000 Genomes Project 0.00280; ESP Exome Variant Server 0.00323; 1000 Genomes Project 30x 0.00312.
gnomAD v4.1: 1,044 of 1,614,136 alleles (0.065%); highest among the groups gnomAD compares: African/African-American, 0.98%; 11 homozygotes.

Submissions (3):

Labcorp Genetics (formerly Invitae), Labcorp
Classification: Benign. Last evaluated: 2026-01-27. Review status: criteria provided, single submitter. Criteria: Invitae Variant Classification Sherloc (09022015). Collection method: clinical testing. Allele origin: germline.

Breakthrough Genomics
Classification: Benign. Review status: criteria provided, single submitter. Criteria: ACMG Guidelines, 2015. Collection method: not provided. Allele origin: germline. Inheritance: Unknown mechanism. Affected: yes.

PreventionGenetics, part of Exact Sciences
Classification: Benign for SIAE-related condition. Last evaluated: 2024-03-12. Review status: no assertion criteria provided. Collection method: clinical testing. Allele origin: germline. Not counted in ClinVar's aggregate classification.
Comment: This variant is classified as benign based on ACMG/AMP sequence variant interpretation guidelines (Richards et al. 2015 PMID: 25741868, with internal and published modifications).